The following is an entry in ClinVar:

ClinVar aggregate classification (germline): Uncertain significance. Review status: criteria provided, multiple submitters, no conflicts (2 of 4 stars). 2 submissions from 2 submitters: Uncertain significance (2). Last evaluated 2025-07-31.

Conditions:
Immunodeficiency 39 (IMD39). Identifiers: Orphanet 574918, MedGen C4225358, MONDO:0014597, OMIM 616345.

Submissions (2):

Labcorp Genetics (formerly Invitae), Labcorp
Classification: Uncertain significance for Immunodeficiency 39. Last evaluated: 2025-07-31. Review status: criteria provided, single submitter. Criteria: Invitae Variant Classification Sherloc (09022015). Collection method: clinical testing. Allele origin: germline.
Comment: This sequence change replaces glutamic acid, which is acidic and polar, with aspartic acid, which is acidic and polar, at codon 506 of the IRF7 protein (p.Glu506Asp). This variant is not present in population databases (gnomAD no frequency). This variant has not been reported in the literature in individuals affected with IRF7-related conditions. ClinVar contains an entry for this variant (Variation ID: 2814945). An algorithm developed to predict the effect of missense changes on protein structure and function outputs the following: PolyPhen-2: "Benign". The aspartic acid amino acid residue is found in multiple mammalian species, which suggests that this missense change does not adversely affect protein function. In summary, the available evidence is currently insufficient to determine the role of this variant in disease. Therefore, it has been classified as a Variant of Uncertain Significance.

Ambry Genetics
Classification: Uncertain significance. Last evaluated: 2025-05-16. Review status: criteria provided, single submitter. Criteria: Ambry Variant Classification Scheme 2023. Collection method: clinical testing. Allele origin: germline.

NM_001572.5(IRF7):c.1479G>C (p.Glu493Asp)

Gene: IRF7 (interferon regulatory factor 7; minus strand). Cytogenetic location: 11p15.5.
Variant type: single nucleotide variant.
Coding change: c.1479G>C on transcript NM_001572.5 (MANE Select); coding-DNA position 1479, G replaced by C.
Protein change: p.Glu493Asp; replaces glutamic acid 493 with aspartic acid.
Molecular consequence: missense variant.
Genome position (GRCh38, 1-based): chr11:612,678, C>G on the plus strand (G>C on the coding strand, the complement: IRF7 is on the minus strand). VCF-style: chr11-612678-C-G. GRCh37 (hg19) VCF-style: chr11-612678-C-G.
Other names: c.1518G>C (NM_004031.2); c.1392G>C, p.Glu464Asp (NM_004029.4); c.1518G>C, p.Glu506Asp (NM_004031.4); short protein forms E493D, E506D, E464D.
Identifiers: ClinVar variation 2814945 (VCV002814945.4), dbSNP rs2133123774, ClinGen allele CA378975406.